The following is an entry in ClinVar:

NM_004444.5(EPHB4):c.305G>A (p.Arg102Gln)

Gene: EPHB4 (EPH receptor B4; minus strand). Cytogenetic location: 7q22.1.
Variant type: single nucleotide variant.
Coding change: c.305G>A on transcript NM_004444.5 (MANE Select); coding-DNA position 305, G replaced by A.
Protein change: p.Arg102Gln; replaces arginine 102 with glutamine.
Molecular consequence: missense variant.
Genome position (GRCh38, 1-based): chr7:100,823,750, C>T on the plus strand (G>A on the coding strand, the complement: EPHB4 is on the minus strand). VCF-style: chr7-100823750-C-T. GRCh37 (hg19) VCF-style: chr7-100421372-C-T.
Other names: short protein forms R102Q.
Identifiers: ClinVar variation 4739766 (VCV004739766.1).

ClinVar aggregate classification (germline): Uncertain significance (1 of 4 stars; one submission).

gnomAD v4.1: 72 of 1,613,468 alleles (0.0045%); highest among the groups gnomAD compares: Middle Eastern, 0.016%; no homozygotes.

Submission:

Labcorp Genetics (formerly Invitae), Labcorp
Classification: Uncertain significance. Last evaluated: 2025-08-12. Review status: criteria provided, single submitter. Criteria: Invitae Variant Classification Sherloc (09022015). Collection method: clinical testing. Allele origin: germline.
Comment: This sequence change replaces arginine, which is basic and polar, with glutamine, which is neutral and polar, at codon 102 of the EPHB4 protein (p.Arg102Gln). This variant is present in population databases (rs776550311, gnomAD 0.009%). This variant has not been reported in the literature in individuals affected with EPHB4-related conditions. Invitae Evidence Modeling of protein sequence and biophysical properties (such as structural, functional, and spatial information, amino acid conservation, physicochemical variation, residue mobility, and thermodynamic stability) indicates that this missense variant is not expected to disrupt EPHB4 protein function with a negative predictive value of 95%. In summary, the available evidence is currently insufficient to determine the role of this variant in disease. Therefore, it has been classified as a Variant of Uncertain Significance.